The following is an entry in ClinVar:

NM_001018115.3(FANCD2):c.1893C>T (p.Tyr631=)

Genes: FANCD2 (FA complementation group D2; plus strand), LOC107303338 (3p25 FANCD2 Alu-mediated recombination region; plus strand). Cytogenetic location: 3p25.3.
Variant type: single nucleotide variant.
Coding change: c.1893C>T on transcript NM_001018115.3 (MANE Select); coding-DNA position 1893, C replaced by T.
Protein change: p.Tyr631=; no amino-acid change (tyrosine 631 retained).
Molecular consequence: synonymous variant.
Genome position (GRCh38, 1-based): chr3:10,063,857, C>T. VCF-style: chr3-10063857-C-T. GRCh37 (hg19) VCF-style: chr3-10105541-C-T.
Other names: c.1893C>T, p.Tyr631= (NM_001319984.2, NM_001374254.1, NM_033084.6); c.1782C>T, p.Tyr594= (NM_001374253.1).
Identifiers: ClinVar variation 3771240 (VCV003771240.13).

ClinVar aggregate classification (germline): Likely benign (1 of 4 stars; one submission).

Submission:

CeGaT Center for Human Genetics Tuebingen
Classification: Likely benign. Last evaluated: 2025-02-01. Review status: criteria provided, single submitter. Criteria: CeGaT Center For Human Genetics Tuebingen Variant Classification Criteria Version 2. Collection method: clinical testing. Allele origin: germline. Affected: yes. Observed: 1 variant allele.
Comment: FANCD2: BP4, BP7